The following is an entry in ClinVar:

NM_001352514.2(HLCS):c.1799T>G (p.Leu600Ter)

Gene: HLCS (holocarboxylase synthetase; minus strand). Cytogenetic location: 21q22.13.
Variant type: single nucleotide variant.
Coding change: c.1799T>G on transcript NM_001352514.2 (MANE Select); coding-DNA position 1799, T replaced by G.
Protein change: p.Leu600Ter; replaces leucine 600 with a stop codon.
Molecular consequence: nonsense. On other transcripts: non-coding transcript variant (2).
Genome position (GRCh38, 1-based): chr21:36,896,953, A>C on the plus strand (T>G on the coding strand, the complement: HLCS is on the minus strand). VCF-style: chr21-36896953-A-C. GRCh37 (hg19) VCF-style: chr21-38269253-A-C.
Other names: c.1358T>G, p.Leu453Ter (NM_000411.8, NM_001242784.3, NM_001242785.2 and 4 more transcripts); short protein forms L600*, L453*.
Identifiers: ClinVar variation 2178678 (VCV002178678.4), dbSNP rs2517422915, ClinGen allele CA409966447.

ClinVar aggregate classification (germline): Pathogenic (1 of 4 stars; one submission).

Conditions:
Holocarboxylase synthetase deficiency. Also called: MULTIPLE CARBOXYLASE DEFICIENCY, EARLY ONSET. Identifiers: Orphanet 79242, MedGen C0268581, MONDO:0009666, OMIM 253270.

Submission:

Labcorp Genetics (formerly Invitae), Labcorp
Classification: Pathogenic for Holocarboxylase synthetase deficiency. Last evaluated: 2022-03-18. Review status: criteria provided, single submitter. Criteria: Invitae Variant Classification Sherloc (09022015). Collection method: clinical testing. Allele origin: germline.
Comment: This sequence change creates a premature translational stop signal (p.Leu453*) in the HLCS gene. It is expected to result in an absent or disrupted protein product. Loss-of-function variants in HLCS are known to be pathogenic (PMID: 16134170). This variant is not present in population databases (gnomAD no frequency). This variant has not been reported in the literature in individuals affected with HLCS-related conditions. For these reasons, this variant has been classified as Pathogenic.

Literature cited by the submitters: PubMed 16134170.